The following is an entry in ClinVar:

NM_001009944.3(PKD1):c.5301del (p.Thr1768fs)

Gene: PKD1 (polycystin 1, transient receptor potential channel interacting; minus strand). Cytogenetic location: 16p13.3.
Variant type: Deletion.
Coding change: c.5301del on transcript NM_001009944.3 (MANE Select); coding-DNA position 5301, one base deleted (C; older notation c.5301delC).
Protein change: p.Thr1768fs; shifts the reading frame from threonine 1768.
Molecular consequence: frameshift variant.
Genome position (GRCh38, 1-based): chr16:2,109,866, G deleted on the plus strand (C on the coding strand, the reverse complement: PKD1 is on the minus strand); the first of 2 consecutive G bases (chr16:2,109,866-2,109,867); deleting either gives the same sequence. VCF-style (leftmost placement, unchanged base first): chr16-2109865-TG-T. GRCh37 (hg19) VCF-style: chr16-2159866-TG-T.
Other names: c.5301del, p.Thr1768fs (NM_000296.4); short protein forms T1768fs.
Identifiers: ClinVar variation 997390 (VCV000997390.1), dbSNP rs2092454886, ClinGen allele CA2202046552.

ClinVar aggregate classification (germline): Pathogenic (0 of 4 stars; one submission).

Conditions:
Polycystic kidney disease. Also called: Polycystic kidney dysplasia; Kidney, Polycystic. Identifiers: MedGen C0022680, MeSH D007690, MONDO:0020642, HP:0000113.

Submission:

Department of Pathology and Laboratory Medicine, Sinai Health System
Classification: Pathogenic for Polycystic Kidney disease. Review status: no assertion criteria provided. Collection method: clinical testing. Allele origin: unknown. Affected: yes. Observed: 1 variant allele. Study: The Canadian Open Genetics Repository (COGR).
Comment: The PKD1 p.Thr1768ProfsX14 variant was not identified in the literature nor was it identified in the following databases: dbSNP, ClinVar, LOVD 3.0, ADPKD Mutation database and PKD1-LOVD. The variant was not identified in the 1000 Genomes Project, the NHLBI GO Exome Sequencing Project or the Exome Aggregation Consortium (August 8th 2016). The c.5301delC variant is predicted to cause a frameshift, which alters the protein amino acid sequence beginning at codon 1768 and leads to a premature stop codon 14 codons downstream. This alteration is then predicted to result in a truncated or absent protein and loss of function. Loss of function variants of the PKD1 gene are an established mechanism of disease in ADPKD and is the type of variant expected to cause the disorder. In summary, based on the above information this variant meets our laboratoryâ€šÃ„Ã´s criteria to be classified as pathogenic.